The following is an entry in ClinVar:

NM_000038.6(APC):c.121G>T (p.Ala41Ser)

Gene: APC (APC regulator of Wnt signaling pathway; plus strand). Cytogenetic location: 5q22.2.
Variant type: single nucleotide variant.
Coding change: c.121G>T on transcript NM_000038.6 (MANE Select); coding-DNA position 121, G replaced by T.
Protein change: p.Ala41Ser; replaces alanine 41 with serine.
Molecular consequence: missense variant. On other transcripts: 5 prime UTR variant (1), intron variant (8).
Genome position (GRCh38, 1-based): chr5:112,755,011, G>T. VCF-style: chr5-112755011-G-T. GRCh37 (hg19) VCF-style: chr5-112090708-G-T.
Other names: c.121G>T, p.Ala41Ser (NM_001127510.3, NM_001354895.2, NM_001354896.2 and 2 more transcripts); c.-915G>T (NM_001354906.2); c.166-11315G>T (NM_001127511.3, NM_001354897.2, NM_001354902.2); c.61-11315G>T (NM_001354898.2, NM_001354904.2); c.-42-11315G>T (NM_001354900.2, NM_001354901.2, NM_001354905.2); short protein forms A41S.
Identifiers: ClinVar variation 653406 (VCV000653406.10), dbSNP rs1554067157, ClinGen allele CA16021608.

ClinVar aggregate classification (germline): Uncertain significance (1 of 4 stars; one submission).

Conditions:
Familial adenomatous polyposis 1 (FAP1). Also called: POLYPOSIS, ADENOMATOUS INTESTINAL; FAMILIAL ADENOMATOUS POLYPOSIS 1, ATTENUATED. Identifiers: MedGen C2713442, MONDO:0021056, OMIM 175100. Disease mechanism: loss of function.

Submission:

Labcorp Genetics (formerly Invitae), Labcorp
Classification: Uncertain significance for Familial adenomatous polyposis 1. Last evaluated: 2023-08-17. Review status: criteria provided, single submitter. Criteria: Invitae Variant Classification Sherloc (09022015). Collection method: clinical testing. Allele origin: germline.
Comment: This sequence change replaces alanine, which is neutral and non-polar, with serine, which is neutral and polar, at codon 41 of the APC protein (p.Ala41Ser). This variant is not present in population databases (gnomAD no frequency). This variant has not been reported in the literature in individuals affected with APC-related conditions. ClinVar contains an entry for this variant (Variation ID: 653406). Advanced modeling of protein sequence and biophysical properties (such as structural, functional, and spatial information, amino acid conservation, physicochemical variation, residue mobility, and thermodynamic stability) performed at Invitae indicates that this missense variant is not expected to disrupt APC protein function. In summary, the available evidence is currently insufficient to determine the role of this variant in disease. Therefore, it has been classified as a Variant of Uncertain Significance.